The following is an entry in ClinVar:

NM_005909.5(MAP1B):c.1145G>A (p.Cys382Tyr)

Gene: MAP1B (microtubule associated protein 1B; plus strand). Cytogenetic location: 5q13.2.
Variant type: single nucleotide variant.
Coding change: c.1145G>A on transcript NM_005909.5 (MANE Select); coding-DNA position 1145, G replaced by A.
Protein change: p.Cys382Tyr; replaces cysteine 382 with tyrosine.
Molecular consequence: missense variant.
Genome position (GRCh38, 1-based): chr5:72,194,500, G>A. VCF-style: chr5-72194500-G-A. GRCh37 (hg19) VCF-style: chr5-71490327-G-A.
Other names: c.767G>A, p.Cys256Tyr (NM_001324255.2); short protein forms C256Y, C382Y.
Identifiers: ClinVar variation 2412848 (VCV002412848.3), dbSNP rs1017732254, ClinGen allele CA120032108.
Genomic context (GRCh38, chr5:72,194,500, plus strand): 5'-CTGAAAATCTCAAAAATCCAGAGCCAAACATCAAGATGAAGAGAAGCATAGAAGAAGCCT[G>A]CTTCACTCTCCAGTACCTAAACAAATTGTCCATGAAACCAGAACCTCTGTTTAGAAGTGT-3'
Protein context (NP_005900.2, residues 372-392): IKMKRSIEEA[Cys382Tyr]FTLQYLNKLS

ClinVar aggregate classification (germline): Uncertain significance (1 of 4 stars; one submission).

Allele frequency attached by ClinVar (database versions not stated): TOPMed below 0.00001.

Submission:

GeneDx
Classification: Uncertain significance. Last evaluated: 2025-06-06. Review status: criteria provided, single submitter. Criteria: GeneDx Variant Classification Process June 2021. Collection method: clinical testing. Allele origin: germline.
Comment: Not observed at significant frequency in large population cohorts (gnomAD); In silico analysis supports that this missense variant has a deleterious effect on protein structure/function; Has not been previously published as pathogenic or benign to our knowledge